The following is an entry in ClinVar:

NM_000094.4(COL7A1):c.2588-3_2588del

Gene: COL7A1 (collagen type VII alpha 1 chain; minus strand). Cytogenetic location: 3p21.31.
Variant type: Deletion.
Coding change: c.2588-3_2588del on transcript NM_000094.4 (MANE Select); 3 bases into the intron before coding-DNA position 2588 through coding-DNA position 2588, 4 bases deleted (CAGC; older notation c.2588-3_2588delCAGC).
Molecular consequence: splice acceptor variant.
Genome position (GRCh38, 1-based): chr3:48,588,404-48,588,407, GCTG deleted on the plus strand (CAGC on the coding strand, the reverse complement: COL7A1 is on the minus strand); deleting any 4 consecutive bases within chr3:48,588,404-48,588,408 gives the same sequence; the c. name uses the placement nearest the transcript's 3' end. VCF-style (leftmost placement, unchanged base first): chr3-48588403-CGCTG-C. GRCh37 (hg19) VCF-style: chr3-48625836-CGCTG-C.
Identifiers: ClinVar variation 5004849 (VCV005004849.1).

ClinVar aggregate classification (germline): Likely pathogenic (1 of 4 stars; one submission).

Conditions:
Recessive dystrophic epidermolysis bullosa (RDEB). Also called: Epidermolysis Bullosa Distrophica Autosomal Recessive (RDEB); Recessive DEB (RDEB); DYSTROPHIC EPIDERMOLYSIS BULLOSA, AUTOSOMAL RECESSIVE; EPIDERMOLYSIS BULLOSA DYSTROPHICA, HALLOPEAU-SIEMENS TYPE; severe generalized recessive dystrophic epidermolysis bullosa; epidermolysis bullosa dystrophica, autosomal recessive. Identifiers: Orphanet 79408, Orphanet 79409, MedGen C0079474, MONDO:0009179, OMIM 226600.

Submission:

Myriad Genetics, Inc.
Classification: Likely pathogenic for Recessive dystrophic epidermolysis bullosa. Last evaluated: 2026-08-14. Review status: criteria provided, single submitter. Criteria: Myriad Autosomal Dominant, Autosomal Recessive and X-Linked Classification Criteria (2023). Collection method: clinical testing. Allele origin: unknown.
Comment: NM_000094.3(COL7A1):c.2588-3_2588delCAGC is a variant in a canonical splice site classified as likely pathogenic in the context of dystrophic epidermolysis bullosa. c.2588-3_2588delCAGC has been observed in cases with relevant disease (PMID: 39391914). Relevant functional assessments of this variant are not available in the literature. c.2588-3_2588delCAGC has not been observed in referenced population frequency databases. In summary, NM_000094.3(COL7A1):c.2588-3_2588delCAGC is a variant in a canonical splice site that has been observed more frequently in cases with the relevant disease than in healthy populations. Please note: this variant was assessed in the context of healthy population screening.

Literature cited by the submitters: PubMed 39391914.